The following is an entry in ClinVar:

NM_054012.4(ASS1):c.597+2T>C

Gene: ASS1 (argininosuccinate synthase 1; plus strand). Cytogenetic location: 9q34.11.
Variant type: single nucleotide variant.
Coding change: c.597+2T>C on transcript NM_054012.4 (MANE Select); the canonical splice donor site of the intron after coding-DNA position 597, T replaced by C.
Molecular consequence: splice donor variant.
Genome position (GRCh38, 1-based): chr9:130,471,517, T>C. VCF-style: chr9-130471517-T-C. GRCh37 (hg19) VCF-style: chr9-133346904-T-C.
Other names: c.597+2T>C (NM_000050.4).
Identifiers: ClinVar variation 4818700 (VCV004818700.1).
Genomic context (GRCh38, chr9:130,471,517, plus strand): 5'-GACCCTGTCTTTCCTTTCCCCTCCGCAGCTACGAGGCTGGAATCCTGGAGAACCCCAAGG[T>C]AATCCCCCAAACCCCATCTCCTCCCAGCTGGCCACCTTTGGTGGTAGCAGCTCCATGCCG-3'

ClinVar aggregate classification (germline): Likely pathogenic (1 of 4 stars; one submission).

Conditions:
Citrullinemia type I (CTNL1). Also called: ASS DEFICIENCY; argininosuccinate synthetase deficiency. Identifiers: Orphanet 247525, MedGen C4721769, MONDO:0008988, OMIM 215700.

Submission:

Natera, Inc.
Classification: Likely pathogenic for Citrullinemia type I. Last evaluated: 2024-11-25. Review status: criteria provided, single submitter. Criteria: Natera Variant Classification Schema (03/2026). Collection method: clinical testing. Allele origin: germline.
Comment: The c.597+2T>C variant in ASS1 is a canonical splice donor site variant predicted to affect pre-mRNA splicing, which may result in an abnormal transcript and altered protein product. This variant is expected to result in nonsense mediated decay, truncation, or a dysfunctional protein product. This variant is rare in the general population with a frequency below the threshold expected for the associated phenotype(s). Given the available evidence, this variant is classified as Likely Pathogenic.